The following is an entry in ClinVar:

ClinVar aggregate classification (germline): Uncertain significance. Review status: criteria provided, multiple submitters, no conflicts (2 of 4 stars). 3 submissions from 3 submitters: Uncertain significance (3). Last evaluated 2025-04-01.

Conditions:
Congenital multicore myopathy with external ophthalmoplegia (CMYO1B). Also called: MULTIMINICORE DISEASE WITH EXTERNAL OPHTHALMOPLEGIA; Congenital myopathy 1B, autosomal recessive; Minicore myopathy; Minicore myopathy with external ophthalmoplegia; MULTICORE MYOPATHY. Identifiers: Orphanet 598, Orphanet 98905, MedGen C1850674, MONDO:0009712, OMIM 255320, HP:0003789.
RYR1-related disorder. Also called: RYR1-related disorders; RYR1-related condition. Identifiers: MedGen CN239331.

Allele frequency attached by ClinVar (database versions not stated): gnomAD exomes 0.00002.
gnomAD v4.1: 25 of 1,313,118 alleles (0.0019%); highest among the groups gnomAD compares: South Asian, 0.013%; no homozygotes.

Submissions (3):

CeGaT Center for Human Genetics Tuebingen
Classification: Uncertain significance. Last evaluated: 2025-04-01. Review status: criteria provided, single submitter. Criteria: CeGaT Center For Human Genetics Tuebingen Variant Classification Criteria Version 2. Collection method: clinical testing. Allele origin: germline. Affected: yes. Observed: 2 variant alleles.
Comment: RYR1: PP3

Labcorp Genetics (formerly Invitae), Labcorp
Classification: Uncertain significance for RYR1-related disorder. Last evaluated: 2024-07-16. Review status: criteria provided, single submitter. Criteria: Invitae Variant Classification Sherloc (09022015). Collection method: clinical testing. Allele origin: germline.
Comment: This sequence change replaces alanine, which is neutral and non-polar, with threonine, which is neutral and polar, at codon 4343 of the RYR1 protein (p.Ala4343Thr). This variant is present in population databases (no rsID available, gnomAD 0.007%). This variant has not been reported in the literature in individuals affected with RYR1-related conditions. ClinVar contains an entry for this variant (Variation ID: 1030855). Advanced modeling of protein sequence and biophysical properties (such as structural, functional, and spatial information, amino acid conservation, physicochemical variation, residue mobility, and thermodynamic stability) performed at Invitae indicates that this missense variant is not expected to disrupt RYR1 protein function with a negative predictive value of 95%. In summary, the available evidence is currently insufficient to determine the role of this variant in disease. Therefore, it has been classified as a Variant of Uncertain Significance.

Baylor Genetics
Classification: Uncertain significance for Congenital multicore myopathy with external ophthalmoplegia. Last evaluated: 2019-03-14. Review status: criteria provided, single submitter. Criteria: ACMG Guidelines, 2015. Collection method: clinical testing. Allele origin: paternal. Affected: yes.
Comment: This variant was determined to be of uncertain significance according to ACMG Guidelines, 2015 [PMID:25741868].

NM_000540.3(RYR1):c.13027G>A (p.Ala4343Thr)

Gene: RYR1 (ryanodine receptor 1; plus strand). Cytogenetic location: 19q13.2.
Variant type: single nucleotide variant.
Coding change: c.13027G>A on transcript NM_000540.3 (MANE Select); coding-DNA position 13027, G replaced by A.
Protein change: p.Ala4343Thr; replaces alanine 4343 with threonine.
Molecular consequence: missense variant.
Genome position (GRCh38, 1-based): chr19:38,565,361, G>A. VCF-style: chr19-38565361-G-A. GRCh37 (hg19) VCF-style: chr19-39056001-G-A.
Other names: c.13012G>A, p.Ala4338Thr (NM_001042723.2); short protein forms A4338T, A4343T.
Identifiers: ClinVar variation 1030855 (VCV001030855.28), dbSNP rs1204041410, ClinGen allele CA405673059.